The following is an entry in ClinVar:

ClinVar aggregate classification (germline): Benign/Likely benign. Review status: criteria provided, multiple submitters, no conflicts (2 of 4 stars). 12 submissions from 11 submitters: Benign (9); Likely benign (1). 2 of the submissions do not count toward it. Last evaluated 2026-02-04.

Conditions:
Blau syndrome (BLAUS). Also called: GRANULOMATOSIS, FAMILIAL JUVENILE SYSTEMIC; GRANULOMATOSIS, FAMILIAL, BLAU TYPE; GRANULOMATOUS INFLAMMATORY ARTHRITIS, DERMATITIS, AND UVEITIS, FAMILIAL; JABS SYNDROME; ARTHROCUTANEOUVEAL GRANULOMATOSIS. Identifiers: Orphanet 90340, MedGen C5201146, MONDO:0008523, OMIM 186580.
Regional enteritis. Also called: Enteritis, Granulomatous. Identifiers: MedGen C0678202, MeSH D003424.
Inflammatory bowel disease 1 (IBD1). Also called: INFLAMMATORY BOWEL DISEASE (CROHN DISEASE) 1; Inflammatory bowel disease 1, Crohn disease. Identifiers: MedGen CN260071, MONDO:0009960, OMIM 266600.

Allele frequency attached by ClinVar (database versions not stated): TOPMed 0.34192; gnomAD 0.35090 and 0.35199; ESP Exome Variant Server 0.37088; 1000 Genomes Project 30x 0.24453; 1000 Genomes Project 0.24661.

Submissions (12):

Labcorp Genetics (formerly Invitae), Labcorp
Classification: Benign for Regional enteritis; Blau syndrome. Last evaluated: 2026-02-04. Review status: criteria provided, single submitter. Criteria: Invitae Variant Classification Sherloc (09022015). Collection method: clinical testing. Allele origin: germline.

Women's Health and Genetics/Laboratory Corporation of America, LabCorp
Classification: Benign. Last evaluated: 2026-01-21. Review status: criteria provided, single submitter. Criteria: LabCorp Variant Classification Summary - May 2015. Collection method: clinical testing. Allele origin: germline.

ARUP Laboratories, Molecular Genetics and Genomics, ARUP Laboratories
Classification: Benign. Last evaluated: 2025-07-29. Review status: criteria provided, single submitter. Criteria: ARUP Molecular Germline Variant Investigation Process 2024. Collection method: clinical testing. Allele origin: germline.

Blueprint Genetics
Classification: Likely benign. Last evaluated: 2024-11-27. Review status: criteria provided, single submitter. Criteria: ACMG Guidelines, 2015. Collection method: clinical testing. Allele origin: germline.

Unidad de Genómica Garrahan, Hospital de Pediatría Garrahan
Classification: Benign. Last evaluated: 2023-11-12. Review status: criteria provided, single submitter. Criteria: ACMG Guidelines, 2015. Collection method: clinical testing. Allele origin: germline. Affected: no. Observed: 52 variant alleles.
Comment: This variant is classified as Benign based on local population frequency. This variant was detected in 54% of patients studied by a panel of primary immunodeficiencies. Number of patients: 52. Only high quality variants are reported.

Mayo Clinic Laboratories, Mayo Clinic
Classification: Benign. Last evaluated: 2018-03-22. Review status: criteria provided, single submitter. Criteria: ACMG Guidelines, 2015. Collection method: clinical testing. Allele origin: germline. Observed: 613 variant alleles.

Illumina Laboratory Services, Illumina
Classification: Benign for Blau syndrome. Last evaluated: 2018-01-13. Review status: criteria provided, single submitter. Criteria: ICSL Variant Classification Criteria 13 December 2019. Collection method: clinical testing. Allele origin: germline.
Comment: This variant was observed in the ICSL laboratory as part of a predisposition screen in an ostensibly healthy population. It had not been previously curated by ICSL or reported in the Human Gene Mutation Database (HGMD: prior to June 1st, 2018), and was therefore a candidate for classification through an automated scoring system. Utilizing variant allele frequency, disease prevalence and penetrance estimates, and inheritance mode, an automated score was calculated to assess if this variant is too frequent to cause the disease. Based on the score and internal cut-off values, a variant classified as benign is not then subjected to further curation. The score for this variant resulted in a classification of benign for this disease.

Illumina Laboratory Services, Illumina
Classification: Benign for Inflammatory bowel disease 1. Last evaluated: 2018-01-13. Review status: criteria provided, single submitter. Criteria: ICSL Variant Classification Criteria 13 December 2019. Collection method: clinical testing. Allele origin: germline.
Comment: the same text as in the submission from Illumina Laboratory Services, Illumina above.

Laboratory for Molecular Medicine, Mass General Brigham Personalized Medicine
Classification: Benign. Last evaluated: 2016-03-29. Review status: criteria provided, single submitter. Criteria: LMM Criteria. Collection method: clinical testing. Allele origin: germline.
Comment: Variant identified in a genome or exome case(s) and assessed due to predicted null impact of the variant or pathogenic assertions in the literature or databases. Disclaimer: This variant has not undergone full assessment. The following are preliminary notes: MAF

Breakthrough Genomics
Classification: Benign. Review status: criteria provided, single submitter. Criteria: ACMG Guidelines, 2015. Collection method: not provided. Allele origin: germline. Inheritance: Multifactorial inheritance. Affected: yes.

Clinical Genetics DNA and cytogenetics Diagnostics Lab, Erasmus MC, Erasmus Medical Center
Classification: Benign. Review status: no assertion criteria provided. Collection method: clinical testing. Allele origin: germline. Affected: yes. Study: VKGL Data-share Consensus. Not counted in ClinVar's aggregate classification.

Genome Diagnostics Laboratory, University Medical Center Utrecht
Classification: Benign. Review status: no assertion criteria provided. Collection method: clinical testing. Allele origin: germline. Affected: yes. Study: VKGL Data-share Consensus. Not counted in ClinVar's aggregate classification.

NM_001370466.1(NOD2):c.453C>G (p.Ser151=)

Gene: NOD2 (nucleotide binding oligomerization domain containing 2; plus strand). Cytogenetic location: 16q12.1.
Variant type: single nucleotide variant.
Coding change: c.453C>G on transcript NM_001370466.1 (MANE Select); coding-DNA position 453, C replaced by G.
Protein change: p.Ser151=; no amino-acid change (serine 151 retained).
Molecular consequence: synonymous variant. On other transcripts: non-coding transcript variant (1).
Genome position (GRCh38, 1-based): chr16:50,699,948, C>G. VCF-style: chr16-50699948-C-G. GRCh37 (hg19) VCF-style: chr16-50733859-C-G.
Other names: p.Ser178=; c.453C>G, p.Ser151= (NM_001293557.2); c.534C>G, p.Ser178= (NM_022162.3).
Identifiers: ClinVar variation 319429 (VCV000319429.40), dbSNP rs2067085, ClinGen allele CA8051300.